The following is an entry in ClinVar:

NM_002485.5(NBN):c.216_217insTT (p.Lys73fs)

Gene: NBN (nibrin; minus strand). Cytogenetic location: 8q21.3.
Variant type: Insertion.
Coding change: c.216_217insTT on transcript NM_002485.5 (MANE Select); coding-DNA positions 216 to 217, TT inserted.
Protein change: p.Lys73fs; shifts the reading frame from lysine 73.
Molecular consequence: frameshift variant. On other transcripts: 5 prime UTR variant (1).
Genome position: GRCh38 VCF-style: chr8-89981478-T-TAA. GRCh37 (hg19) VCF-style: chr8-90993706-T-TAA.
Other names: c.-31_-30insTT (NM_001024688.3); short protein forms K73fs.
Identifiers: ClinVar variation 553525 (VCV000553525.7), dbSNP rs1554568348, ClinGen allele CA658823276.

ClinVar aggregate classification (germline): Pathogenic. Review status: criteria provided, single submitter (1 of 4 stars). 2 submissions from 2 submitters: Pathogenic (1). 1 of the submissions does not count toward it. Last evaluated 2021-10-07.

Conditions:
Microcephaly, normal intelligence and immunodeficiency (NBS). Also called: Ataxia telangiectasia variant V1; IMMUNODEFICIENCY, MICROCEPHALY, AND CHROMOSOMAL INSTABILITY; SEEMANOVA SYNDROME II; Nijmegen breakage syndrome; Microcephaly with normal intelligence immunodeficiency and lymphoreticular malignancies; Nonsyndromal microcephaly autosomal recessive with normal intelligence. Identifiers: Orphanet 647, MedGen C0398791, MONDO:0009623, OMIM 251260.

Submissions (2):

Labcorp Genetics (formerly Invitae), Labcorp
Classification: Pathogenic for Microcephaly, normal intelligence and immunodeficiency. Last evaluated: 2021-10-07. Review status: criteria provided, single submitter. Criteria: Invitae Variant Classification Sherloc (09022015). Collection method: clinical testing. Allele origin: germline.
Comment: This sequence change creates a premature translational stop signal (p.Lys73Leufs*20) in the NBN gene. It is expected to result in an absent or disrupted protein product. Loss-of-function variants in NBN are known to be pathogenic (PMID: 9590180, 16415040). This variant is not present in population databases (ExAC no frequency). This variant has not been reported in the literature in individuals affected with NBN-related conditions. ClinVar contains an entry for this variant (Variation ID: 553525). For these reasons, this variant has been classified as Pathogenic.

Counsyl
Classification: Likely pathogenic for Microcephaly, normal intelligence and immunodeficiency. Last evaluated: 2017-08-22. Review status: no assertion criteria provided. Collection method: clinical testing. Allele origin: unknown. Not counted in ClinVar's aggregate classification.

Literature cited by the submitters: PubMed 9590180 (cited by Labcorp Genetics (formerly Invitae), Labcorp); PubMed 16415040 (cited by Labcorp Genetics (formerly Invitae), Labcorp).